The following is an entry in ClinVar:

NM_006031.6(PCNT):c.8846del (p.Gly2949fs)

Gene: PCNT (pericentrin; plus strand). Cytogenetic location: 21q22.3.
Variant type: Deletion.
Coding change: c.8846del on transcript NM_006031.6 (MANE Select); coding-DNA position 8846, one base deleted (G; older notation c.8846delG).
Protein change: p.Gly2949fs; shifts the reading frame from glycine 2949.
Molecular consequence: frameshift variant.
Genome position (GRCh38, 1-based): chr21:46,435,998, G deleted; the last of 2 consecutive G bases (chr21:46,435,997-46,435,998); deleting either gives the same sequence. VCF-style (leftmost placement, unchanged base first): chr21-46435996-TG-T. GRCh37 (hg19) VCF-style: chr21-47855909-TG-T.
Other names: c.8255del, p.Gly2752fs (NM_001315529.2); short protein forms G2949fs, G2752fs.
Identifiers: ClinVar variation 2737018 (VCV002737018.3), dbSNP rs1477842688, ClinGen allele CA638499670.
Genomic context (GRCh38, chr21:46,435,996, plus strand): 5'-GCATAAGATCAAGCAGCTTCAGCAGACAGTGAGAGACCTGGAGTCGAAGGACGAGGTGCC[TG>T]GCAGCCGCCTCCACCTAGGTTCTGCCCGCAGGGCTGCCGGCTCGGATGCGGACCACCTCC-3'

ClinVar aggregate classification (germline): Pathogenic (1 of 4 stars; one submission).

Submission:

Labcorp Genetics (formerly Invitae), Labcorp
Classification: Pathogenic. Last evaluated: 2023-07-08. Review status: criteria provided, single submitter. Criteria: Invitae Variant Classification Sherloc (09022015). Collection method: clinical testing. Allele origin: germline.
Comment: For these reasons, this variant has been classified as Pathogenic. This premature translational stop signal has been observed in individual(s) with PCNT-related conditions (PMID: 18174396). This variant is present in population databases (no rsID available, gnomAD 0.007%). This sequence change creates a premature translational stop signal (p.Gly2949Alafs*6) in the PCNT gene. It is expected to result in an absent or disrupted protein product. Loss-of-function variants in PCNT are known to be pathogenic (PMID: 18174396, 22821869).

Literature cited by the submitters: PubMed 18174396; PubMed 22821869.